The following is an entry in ClinVar:

NM_001365902.3(NFIX):c.1408G>C (p.Ala470Pro)

Gene: NFIX (nuclear factor I X; plus strand). Cytogenetic location: 19p13.13.
Variant type: single nucleotide variant.
Coding change: c.1408G>C on transcript NM_001365902.3 (MANE Select); coding-DNA position 1408, G replaced by C.
Protein change: p.Ala470Pro; replaces alanine 470 with proline.
Molecular consequence: missense variant. On other transcripts: synonymous variant (5).
Genome position (GRCh38, 1-based): chr19:13,090,304, G>C. VCF-style: chr19-13090304-G-C. GRCh37 (hg19) VCF-style: chr19-13201118-G-C.
Other names: c.1432G>C, p.Ala478Pro (NM_001271043.2); c.1236G>C, p.Ser412= (NM_001271044.3); c.1137G>C, p.Ser379= (NM_001365982.2); c.1119G>C, p.Ser373= (NM_001365983.2); c.1405G>C, p.Ala469Pro (NM_001365984.2); c.1257G>C, p.Ser419= (NM_001365985.2); c.1384G>C, p.Ala462Pro (NM_001378404.1); c.1456G>C, p.Ala486Pro (NM_001378405.1); and 1 more; short protein forms A462P, A469P, A470P, A478P, A486P.
Identifiers: ClinVar variation 3758665 (VCV003758665.2).

ClinVar aggregate classification (germline): Uncertain significance (1 of 4 stars; one submission).

Conditions:
Marshall-Smith syndrome (MRSHSS). Identifiers: Orphanet 561, MedGen C0265211, MONDO:0011244, OMIM 602535.
Malan overgrowth syndrome (MALNS). Also called: NFIX-Related Malan Syndrome; MALAN SYNDROME; Sotos syndrome 2. Identifiers: Orphanet 420179, MedGen C3553660, MONDO:0013885, OMIM 614753.

gnomAD v4.1: 10 of 1,613,922 alleles (0.00062%); highest among the groups gnomAD compares: East Asian, 0.018%; no homozygotes.

Submission:

Labcorp Genetics (formerly Invitae), Labcorp
Classification: Uncertain significance for Malan overgrowth syndrome; Marshall-Smith syndrome. Last evaluated: 2024-05-08. Review status: criteria provided, single submitter. Criteria: Invitae Variant Classification Sherloc (09022015). Collection method: clinical testing. Allele origin: germline.
Comment: This sequence change replaces alanine, which is neutral and non-polar, with proline, which is neutral and non-polar, at codon 478 of the NFIX protein (p.Ala478Pro). This variant is present in population databases (rs372257657, gnomAD 0.04%). This variant has not been reported in the literature in individuals affected with NFIX-related conditions. Experimental studies and prediction algorithms are not available or were not evaluated, and the functional significance of this variant is currently unknown. In summary, the available evidence is currently insufficient to determine the role of this variant in disease. Therefore, it has been classified as a Variant of Uncertain Significance.